The following is an entry in ClinVar:

NM_001145358.2(SIN3A):c.1660T>C (p.Leu554=)

Gene: SIN3A (SIN3 transcription regulator family member A; minus strand). Cytogenetic location: 15q24.2.
Variant type: single nucleotide variant.
Coding change: c.1660T>C on transcript NM_001145358.2 (MANE Select); coding-DNA position 1660, T replaced by C.
Protein change: p.Leu554=; no amino-acid change (leucine 554 retained).
Molecular consequence: synonymous variant.
Genome position (GRCh38, 1-based): chr15:75,400,807, A>G on the plus strand (T>C on the coding strand, the complement: SIN3A is on the minus strand). VCF-style: chr15-75400807-A-G. GRCh37 (hg19) VCF-style: chr15-75693148-A-G.
Other names: c.1660T>C, p.Leu554= (NM_001145357.2, NM_015477.3).
Identifiers: ClinVar variation 741525 (VCV000741525.7), dbSNP rs752249922, ClinGen allele CA7667607.
Genomic context (GRCh38, chr15:75,400,807, plus strand): 5'-TCCGTCCTGTACACTTGGGCTGCTGGTAACTCTTTGGTAAGGCTCGATAGCTGGAGCCCA[A>G]TCGTTTACAAGAAGCATAATCTATCTCCATAGCAATGCCCTCTGTGGCTCGCTCCTTTGG-3'
Protein context (NP_001138830.1, residues 544-564): MEIDYASCKR[Leu554=]GSSYRALPKS

ClinVar aggregate classification (germline): Likely benign. Review status: criteria provided, multiple submitters, no conflicts (2 of 4 stars). 2 submissions from 2 submitters: Likely benign (2). Last evaluated 2026-08-01.

Allele frequency attached by ClinVar (database versions not stated): ExAC 0.00002; gnomAD exomes 0.00002; gnomAD 0.00006 and 0.00007; TOPMed 0.00007.

Submissions (2):

CeGaT Center for Human Genetics Tuebingen
Classification: Likely benign. Last evaluated: 2026-08-01. Review status: criteria provided, single submitter. Criteria: CeGaT Center For Human Genetics Tuebingen Variant Classification Criteria Version 2. Collection method: clinical testing. Allele origin: germline. Affected: yes. Observed: 1 variant allele.
Comment: SIN3A: BP4, BP7

Labcorp Genetics (formerly Invitae), Labcorp
Classification: Likely benign. Last evaluated: 2025-12-22. Review status: criteria provided, single submitter. Criteria: Invitae Variant Classification Sherloc (09022015). Collection method: clinical testing. Allele origin: germline.